The following is an entry in ClinVar:

NM_182476.3(COQ6):c.1009A>G (p.Arg337Gly)

Genes: COQ6 (coenzyme Q6, monooxygenase; plus strand), ENTPD5 (ectonucleoside triphosphate diphosphohydrolase 5; minus strand). Cytogenetic location: 14q24.3.
Variant type: single nucleotide variant.
Coding change: c.1009A>G on transcript NM_182476.3 (MANE Select); coding-DNA position 1009, A replaced by G.
Protein change: p.Arg337Gly; replaces arginine 337 with glycine.
Molecular consequence: missense variant. On other transcripts: 3 prime UTR variant (1), intron variant (5).
Genome position (GRCh38, 1-based): chr14:73,961,290, A>G. VCF-style: chr14-73961290-A-G. GRCh37 (hg19) VCF-style: chr14-74427993-A-G.
Other names: p.Arg337Gly; c.1009A>G, p.Arg337Gly (NM_001425255.1); c.901A>G, p.Arg301Gly (NM_001425256.1); c.844A>G, p.Arg282Gly (NM_001425257.1); c.826A>G, p.Arg276Gly (NM_001425258.1); c.784A>G, p.Arg262Gly (NM_001425259.1, NM_001425260.1, NM_001425261.1); c.754A>G, p.Arg252Gly (NM_001425262.1); c.682A>G, p.Arg228Gly (NM_001425263.1); and 6 more; short protein forms R312G, R337G.
Identifiers: ClinVar variation 1039323 (VCV001039323.18), dbSNP rs139010315, ClinGen allele CA7264413.

ClinVar aggregate classification (germline): Conflicting classifications of pathogenicity. Review status: criteria provided, conflicting classifications (1 of 4 stars). 4 submissions from 4 submitters: Uncertain significance (1); Benign (1); Likely benign (1). 1 of the submissions does not count toward it. Last evaluated 2026-10-22.

Conditions:
COQ6-related disorder. Also called: COQ6-related condition.

Allele frequency attached by ClinVar (database versions not stated): gnomAD 0.00120 and 0.00127; ExAC 0.00089; gnomAD exomes 0.00109 and 0.00183; TOPMed 0.00116; ESP Exome Variant Server 0.00123.
gnomAD v4.1: 2,870 of 1,614,010 alleles (0.18%); highest among the groups gnomAD compares: Non-Finnish European, 0.2%; 2 homozygotes.

Submissions (4):

GeneDx
Classification: Uncertain significance. Last evaluated: 2026-10-22. Review status: criteria provided, single submitter. Criteria: GeneDx Variant Classification Process June 2021. Collection method: clinical testing. Allele origin: germline.
Comment: In silico analysis suggests that this missense variant does not alter protein structure/function; Has not been previously published as pathogenic or benign to our knowledge

Labcorp Genetics (formerly Invitae), Labcorp
Classification: Benign. Last evaluated: 2026-01-12. Review status: criteria provided, single submitter. Criteria: Invitae Variant Classification Sherloc (09022015). Collection method: clinical testing. Allele origin: germline.

Mayo Clinic Laboratories, Mayo Clinic
Classification: Likely benign. Last evaluated: 2025-04-16. Review status: criteria provided, single submitter. Criteria: ACMG Guidelines, 2015. Collection method: clinical testing. Allele origin: germline. Observed: 7 variant alleles.
Comment: BS1, BP4_moderate

PreventionGenetics, part of Exact Sciences
Classification: Likely benign for COQ6-related condition. Last evaluated: 2020-04-22. Review status: no assertion criteria provided. Collection method: clinical testing. Allele origin: germline. Not counted in ClinVar's aggregate classification.
Comment: This variant is classified as likely benign based on ACMG/AMP sequence variant interpretation guidelines (Richards et al. 2015 PMID: 25741868, with internal and published modifications).